The following is an entry in ClinVar:

NM_000256.3(MYBPC3):c.1790G>A (p.Arg597Gln)

Gene: MYBPC3 (myosin binding protein C3; minus strand). Cytogenetic location: 11p11.2.
Variant type: single nucleotide variant.
Coding change: c.1790G>A on transcript NM_000256.3 (MANE Select); coding-DNA position 1790, G replaced by A.
Protein change: p.Arg597Gln; replaces arginine 597 with glutamine.
Molecular consequence: missense variant.
Genome position (GRCh38, 1-based): chr11:47,341,991, C>T on the plus strand (G>A on the coding strand, the complement: MYBPC3 is on the minus strand). VCF-style: chr11-47341991-C-T. GRCh37 (hg19) VCF-style: chr11-47363542-C-T.
Other names: short protein forms R597Q.
Identifiers: ClinVar variation 164098 (VCV000164098.46), dbSNP rs727503195, ClinGen allele CA011138.

ClinVar aggregate classification (germline): Pathogenic/Likely pathogenic. Review status: criteria provided, multiple submitters, no conflicts (2 of 4 stars). 19 submissions from 19 submitters: Pathogenic (9); Likely pathogenic (7). 3 of the submissions do not count toward it. Last evaluated 2026-01-24.

Conditions:
MYBPC3-related cardiomyopathies.
Cardiovascular phenotype. Identifiers: MedGen CN230736.
Left ventricular noncompaction 10 (LVNC10). Identifiers: Orphanet 154, Orphanet 54260, MedGen C3715165, MONDO:0014163, OMIM 615396.
Cardiomyopathy (CMYO). Also called: Cardiomyopathies. Identifiers: Orphanet 167848, MedGen C0878544, MONDO:0004994, HP:0001638. Inheritance: Various modes of inheritance.
Hypertrophic cardiomyopathy 4. Also called: Familial hypertrophic cardiomyopathy 4. Identifiers: MedGen C1861862, MONDO:0007268, OMIM 115197.
Hypertrophic cardiomyopathy. Also called: HYPERTROPHIC MYOCARDIOPATHY. Identifiers: Orphanet 217569, MedGen C0007194, MeSH D002312, MONDO:0005045, HP:0001639.

Allele frequency attached by ClinVar (database versions not stated): ExAC below 0.00001; gnomAD exomes 0.00001 and 0.00003; gnomAD 0.00005; TOPMed 0.00005.
gnomAD v4.1: 24 of 1,557,688 alleles (0.0015%); highest among the groups gnomAD compares: Admixed American, 0.018%; no homozygotes.

Submissions 1 to 7 of 19:

Labcorp Genetics (formerly Invitae), Labcorp
Classification: Pathogenic for Hypertrophic cardiomyopathy. Last evaluated: 2026-01-24. Review status: criteria provided, single submitter. Criteria: Invitae Variant Classification Sherloc (09022015). Collection method: clinical testing. Allele origin: germline.
Comment: This sequence change replaces arginine, which is basic and polar, with glutamine, which is neutral and polar, at codon 597 of the MYBPC3 protein (p.Arg597Gln). This variant also falls at the last nucleotide of exon 18, which is part of the consensus splice site for this exon. This variant is present in population databases (rs727503195, gnomAD 0.01%). This missense change has been observed in individuals with hypertrophic cardiomyopathy (HCM) (PMID: 23674513, 24111713, 25086479, 27532257, 27600940). It has also been observed to segregate with disease in related individuals. ClinVar contains an entry for this variant (Variation ID: 164098). An algorithm developed to predict the effect of missense changes on protein structure and function (PolyPhen-2) suggests that this variant is likely to be disruptive. Variants that disrupt the consensus splice site are a relatively common cause of aberrant splicing (PMID: 17576681, 9536098). Studies have shown that this missense change alters mRNA splicing and is expected to lead to the loss of protein expression (PMID: 25849606, 28679633). For these reasons, this variant has been classified as Pathogenic.

Variantyx, Inc.
Classification: Pathogenic for Hypertrophic cardiomyopathy 4. Last evaluated: 2025-12-30. Review status: criteria provided, single submitter. Criteria: Variantyx Assertion Criteria 2022. Collection method: clinical testing. Allele origin: germline. Inheritance: Autosomal dominant inheritance.
Comment: This is a nonsynonymous variant in the MYBPC3 gene (OMIM: 600958). Pathogenic variants in this gene have been associated with autosomal semidominant hypertrophic cardiomyopathy 4. Computational algorithms produce conflicting evidence regarding the predicted functional impact of this variant (REVEL score: 0.387), but functional studies have shown that this variant alters splicing and results in the skipping of exon 18 and loss of function, which is a known disease mechanism for MYBPC3 in this disorder (PMID: 28679633, 25849606) (PVS1). This variant has been reported in several affected individuals (PMID: 37652022, 27532257, 22455086, 22455086, 27532257, 31006259, 34400558) (PS4) and it has been observed to segregate with disease in at least two individuals from one family (PMID: 25086479). This variant has a 0.0176% maximum allele frequency in non-founder control populations (PM2). . Based on the evidence, this variant is classified as pathogenic for autosomal dominant or autosomal recessive hypertrophic cardiomyopathy 4.

Center for Molecular Medicine, Children’s Hospital of Fudan University
Classification: Likely pathogenic for Left ventricular noncompaction 10. Last evaluated: 2025-12-12. Review status: criteria provided, single submitter. Criteria: ACMG Guidelines 2015. Collection method: clinical testing. Allele origin: maternal. Affected: yes.
Comment: PM5+PM3+PM2_Supp+PP3

Victorian Clinical Genetics Services, Murdoch Childrens Research Institute
Classification: Pathogenic for Hypertrophic cardiomyopathy 4. Last evaluated: 2025-07-08. Review status: criteria provided, single submitter. Criteria: ACMG Guidelines, 2015. Collection method: clinical testing. Allele origin: germline.
Comment: This variant is classified as Pathogenic. Evidence in support of pathogenic classification: Variant is present in gnomAD <0.01 (v4: 24 heterozygote(s), 0 homozygote(s)); This variant has strong previous evidence of pathogenicity in unrelated individuals. This variant has been classified as pathogenic and likely pathogenic by multiple clinical laboratories in ClinVar. Additional information: Variant is predicted to result in a missense amino acid change from Arg to Gln. This variant impacts the last nucleotide of exon 18 and as a result may affect splicing. A minigene assay has shown abnormal splicing and skipping of exon 18 in HeLa cells (PMID: 25849606); This variant is heterozygous; This gene is associated with both recessive and dominant disease. Dominant inheritance is frequently reported in adult onset conditions and recessive inheritance results in a more severe early onset phenotype (OMIM); Alternative amino acid change(s) at the same position are present in gnomAD (Highest allele count: v4: 53 heterozygote(s), 0 homozygote(s)); Variant is located in the annotated immunoglobulin I-set domain (DECIPHER); Missense variant with inconclusive in silico prediction and/or uninformative conservation; Loss of function is a known mechanism of disease in this gene and is associated with hypertrophic cardiomyopathy 4 (HCM; MIM#115197); Variants in this gene are known to have variable expressivity (PMID: 32841044).

Greenwood Genetic Center Diagnostic Laboratories, Greenwood Genetic Center
Classification: Likely pathogenic for Hypertrophic cardiomyopathy 4. Last evaluated: 2025-02-25. Review status: criteria provided, single submitter. Criteria: ACMG Guidelines, 2015. Collection method: clinical testing. Allele origin: germline.
Comment: PM2, PS3_Very Strong

GeneDx
Classification: Pathogenic. Last evaluated: 2024-10-28. Review status: criteria provided, single submitter. Criteria: GeneDx Variant Classification Process June 2021. Collection method: clinical testing. Allele origin: germline. Affected: yes.
Comment: Identified in patients with cardiomyopathy referred for genetic testing at GeneDx and in published literature (PMID: 22455086, 23674513, 23508784, 25086479, 24111713, 27600940, 31513939, 31110529, 29255176, 32369506, 34400558, 36291626, 35653365, 36264615, 37652022, 37342443); Published functional studies demonstrate a damaging effect as this variant results in abnormal splicing and skipping of exon 18 in HeLa cells (PMID: 25849606); Not observed at significant frequency in large population cohorts (gnomAD); Located in the last nucleotide position of the exon, which is part of the splice donor site; This variant is associated with the following publications: (PMID: 27532257, 28679633, 31513939, 26553696, 22455086, 31006259, 32824488, 32841044, 31323898, 27600940, 23674513, 23508784, 24111713, 29255176, 34400558, 36291626, 36335097, 34503678, 32369506, 35653365, 31110529, 25086479, 25849606, 35130036, 36264615, 37652022, 36136372, 37342443, 34461741)

Ambry Genetics
Classification: Likely pathogenic for Cardiovascular phenotype. Last evaluated: 2024-09-23. Review status: criteria provided, single submitter. Criteria: Ambry Variant Classification Scheme 2023. Collection method: clinical testing. Allele origin: germline.
Comment: The c.1790G>A variant (also known as p.R597Q), located in coding exon 18 of the MYBPC3 gene, results from a G to A substitution at nucleotide position 1790. The amino acid change results in arginine to glutamine at codon 597, an amino acid with highly similar properties. However, this change occurs in the last base pair of coding exon 18, which makes it likely to have some effect on normal mRNA splicing. This variant also has been reported in hypertrophic cardiomyopathy (HCM) cohorts (Curila K et al. Acta Cardiol. 2012;67:23-9; Berge KE et al. Clin Genet. 2014;86:355-60; Witjas-Paalberends ER et al. Cardiovasc. Res. 2013 Aug;99(3):432-41; Chiou KR et al. J Cardiol. 2015;65:250-6; Walsh R et al. Genet Med. 2017;19:192-203). In one study, an in vitro minigene splicing assay has suggested this variant results in out-of-frame skipping of exon 18 which results in the introduction of a premature truncation codon (Millat G et al. DNA Cell Biol. 2015;34:489-96), and a second minigene assay has also suggested aberrant splicing impact (Ito K. Proc. Natl. Acad. Sci. U.S.A.. 2017 Jul;114(29):7689-7694). This nucleotide position is highly conserved in available vertebrate species. In silico splice site analysis predicts that this alteration may weaken the native splice donor site and may result in the creation or strengthening of a novel splice donor site. This amino acid position is highly conserved in available vertebrate species. In addition, as a missense substitution this is predicted to be inconclusive by in silico analysis. Based on the majority of available evidence to date, this variant is likely to be pathogenic.